The following is an entry in ClinVar:

NM_017777.4(MKS1):c.136G>T (p.Glu46Ter)

Gene: MKS1 (MKS transition zone complex subunit 1; minus strand). Cytogenetic location: 17q22.
Variant type: single nucleotide variant.
Coding change: c.136G>T on transcript NM_017777.4 (MANE Select); coding-DNA position 136, G replaced by T.
Protein change: p.Glu46Ter; replaces glutamic acid 46 with a stop codon.
Molecular consequence: nonsense. On other transcripts: 5 prime UTR variant (1).
Genome position (GRCh38, 1-based): chr17:58,218,674, C>A on the plus strand (G>T on the coding strand, the complement: MKS1 is on the minus strand). VCF-style: chr17-58218674-C-A. GRCh37 (hg19) VCF-style: chr17-56296035-C-A.
Other names: c.-376G>T (NM_001321268.2); c.136G>T, p.Glu46Ter (NM_001321269.2, NM_001330397.2); short protein forms E46*.
Identifiers: ClinVar variation 1458565 (VCV001458565.7), dbSNP rs183617764, ClinGen allele CA400327970.

ClinVar aggregate classification (germline): Pathogenic. Review status: criteria provided, multiple submitters, no conflicts (2 of 4 stars). 2 submissions from 2 submitters: Pathogenic (2). Last evaluated 2023-09-13.

Conditions:
Ciliopathy. Also called: Ciliopathies. Identifiers: Orphanet 363250, MedGen C4277690, MONDO:0005308, MeSH D000072661.
Meckel-Gruber syndrome. Also called: Dysencephalia splachnocystica; DYSENCEPHALIA SPLANCHNOCYSTICA; GRUBER SYNDROME. Identifiers: Orphanet 564, MedGen C0265215, MONDO:0018921.
Joubert syndrome. Also called: Familial aplasia of the vermis; JOUBERT-BOLTSHAUSER SYNDROME. Identifiers: Orphanet 475, MedGen C5979921, MONDO:0018772.

gnomAD v4.1: 1 of 1,613,950 alleles (0.000062%); highest among the groups gnomAD compares: Non-Finnish European, 0.000085%; no homozygotes.

Submissions (2):

Myriad Genetics, Inc.
Classification: Pathogenic for Ciliopathy. Last evaluated: 2023-09-13. Review status: criteria provided, single submitter. Criteria: Myriad Autosomal Dominant, Autosomal Recessive and X-Linked Classification Criteria (2023). Collection method: clinical testing. Allele origin: unknown.
Comment: NM_017777.3(MKS1):c.136G>T(E46*) is expected to be pathogenic in the context of MKS1-related disorders. This variant is predicted to lead to an abnormal or absent protein product due to the creation of a premature termination codon in MKS1, a gene where loss-of-function variants are known to be pathogenic. Please note: this variant was assessed in the context of healthy population screening.

Labcorp Genetics (formerly Invitae), Labcorp
Classification: Pathogenic for Joubert syndrome; Meckel-Gruber syndrome. Last evaluated: 2021-04-24. Review status: criteria provided, single submitter. Criteria: Invitae Variant Classification Sherloc (09022015). Collection method: clinical testing. Allele origin: germline.
Comment: For these reasons, this variant has been classified as Pathogenic. This variant has not been reported in the literature in individuals with MKS1-related conditions. This variant is not present in population databases (ExAC no frequency). This sequence change creates a premature translational stop signal (p.Glu46*) in the MKS1 gene. It is expected to result in an absent or disrupted protein product. Loss-of-function variants in MKS1 are known to be pathogenic (PMID: 19466712, 24886560, 26490104).

Literature cited by the submitters: PubMed 19466712 (cited by Labcorp Genetics (formerly Invitae), Labcorp); PubMed 24886560 (cited by Labcorp Genetics (formerly Invitae), Labcorp); PubMed 26490104 (cited by Labcorp Genetics (formerly Invitae), Labcorp).